The following is an entry in ClinVar:

NM_000815.5(GABRD):c.1035C>G (p.Val345=)

Gene: GABRD (gamma-aminobutyric acid type A receptor subunit delta; plus strand). Cytogenetic location: 1p36.33.
Variant type: single nucleotide variant.
Coding change: c.1035C>G on transcript NM_000815.5 (MANE Select); coding-DNA position 1035, C replaced by G.
Protein change: p.Val345=; no amino-acid change (valine 345 retained).
Molecular consequence: synonymous variant.
Genome position (GRCh38, 1-based): chr1:2,029,738, C>G. VCF-style: chr1-2029738-C-G. GRCh37 (hg19) VCF-style: chr1-1961177-C-G.
Identifiers: ClinVar variation 2782732 (VCV002782732.3), dbSNP rs1659031670, ClinGen allele CA415773789.
Genomic context (GRCh38, chr1:2,029,738, plus strand): 5'-GGTGGAGTACGCCTTTGCTCATTTCAACGCCGACTACAGGAAGAAGCAGAAGGCCAAGGT[C>G]AAGGTCTCCAGGCCGAGGGCAGAGGTGAGGGCCTGGGGCCGAGCCAGGGACAGCACTGCT-3'
Protein context (NP_000806.2, residues 335-355): ADYRKKQKAK[Val345=]KVSRPRAEMD

ClinVar aggregate classification (germline): Uncertain significance (1 of 4 stars; one submission).

Conditions:
Idiopathic generalized epilepsy. Also called: EIG; Generalised epilepsy. Identifiers: MedGen C0270850, MONDO:0005579, OMIM 600669.

Submission:

Labcorp Genetics (formerly Invitae), Labcorp
Classification: Uncertain significance for Idiopathic generalized epilepsy. Last evaluated: 2023-10-28. Review status: criteria provided, single submitter. Criteria: Invitae Variant Classification Sherloc (09022015). Collection method: clinical testing. Allele origin: germline.
Comment: This sequence change affects codon 345 of the GABRD mRNA. It is a 'silent' change, meaning that it does not change the encoded amino acid sequence of the GABRD protein. This variant is not present in population databases (gnomAD no frequency). This variant has not been reported in the literature in individuals affected with GABRD-related conditions. Algorithms developed to predict the effect of sequence changes on RNA splicing suggest that this variant may create or strengthen a splice site. In summary, the available evidence is currently insufficient to determine the role of this variant in disease. Therefore, it has been classified as a Variant of Uncertain Significance.